The following is an entry in ClinVar:

ClinVar aggregate classification (germline): Conflicting classifications of pathogenicity. Review status: criteria provided, conflicting classifications (1 of 4 stars). 2 submissions from 2 submitters: Uncertain significance (1); Likely benign (1). Last evaluated 2022-10-26.

Conditions:
Inborn genetic diseases. Identifiers: MedGen C0950123, MeSH D030342.

Allele frequency attached by ClinVar (database versions not stated): TOPMed below 0.00001; gnomAD exomes 0.00001; ExAC 0.00002.
gnomAD v4.1: 5 of 1,613,768 alleles (0.00031%); highest among the groups gnomAD compares: Admixed American, 0.0033%; no homozygotes.

Submissions (2):

Ambry Genetics
Classification: Likely benign for Inborn genetic diseases. Last evaluated: 2022-10-26. Review status: criteria provided, single submitter. Criteria: Ambry Variant Classification Scheme 2023. Collection method: clinical testing. Allele origin: germline.

GeneDx
Classification: Uncertain significance. Last evaluated: 2022-04-13. Review status: criteria provided, single submitter. Criteria: GeneDx Variant Classification Process June 2021. Collection method: clinical testing. Allele origin: germline. Affected: yes.
Comment: In silico analysis supports that this missense variant does not alter protein structure/function; Has not been previously published as pathogenic or benign to our knowledge

NM_030632.3(ASXL3):c.1589T>C (p.Met530Thr)

Gene: ASXL3 (ASXL transcriptional regulator 3; plus strand). Cytogenetic location: 18q12.1.
Variant type: single nucleotide variant.
Coding change: c.1589T>C on transcript NM_030632.3 (MANE Select); coding-DNA position 1589, T replaced by C.
Protein change: p.Met530Thr; replaces methionine 530 with threonine.
Molecular consequence: missense variant.
Genome position (GRCh38, 1-based): chr18:33,738,993, T>C. VCF-style: chr18-33738993-T-C. GRCh37 (hg19) VCF-style: chr18-31318957-T-C.
Other names: short protein forms M530T.
Identifiers: ClinVar variation 1710618 (VCV001710618.5), dbSNP rs766195581, ClinGen allele CA8933775.
Genomic context (GRCh38, chr18:33,738,993, plus strand): 5'-AAACTTTGCCTCATATTGAAGTTAAGATAGAAGGGAAGTCAGAATCACCCCAGGAAGAAA[T>C]GACAGTTGTTATCGATCAGTTAGAAGTCTGTGACTCTCTTATTCCTTCCACTTCATCTAT-3'
Protein context (NP_085135.1, residues 520-540): EGKSESPQEE[Met530Thr]TVVIDQLEVC